The following is an entry in ClinVar:

NM_001378964.1(CDON):c.3358T>G (p.Cys1120Gly)

Gene: CDON (cell adhesion associated, oncogene regulated; minus strand). Cytogenetic location: 11q24.2.
Variant type: single nucleotide variant.
Coding change: c.3358T>G on transcript NM_001378964.1 (MANE Select); coding-DNA position 3358, T replaced by G.
Protein change: p.Cys1120Gly; replaces cysteine 1120 with glycine.
Molecular consequence: missense variant.
Genome position (GRCh38, 1-based): chr11:125,961,997, A>C on the plus strand (T>G on the coding strand, the complement: CDON is on the minus strand). VCF-style: chr11-125961997-A-C. GRCh37 (hg19) VCF-style: chr11-125831892-A-C.
Other names: c.3358T>G, p.Cys1120Gly (NM_001243597.3, NM_001441161.1, NM_001441162.1 and 5 more transcripts); short protein forms C1120G.
Identifiers: ClinVar variation 5020450 (VCV005020450.1).
Genomic context (GRCh38, chr11:125,961,997, plus strand): 5'-CTACCACAGGGACCACAGGAGGAGGGCTGCTGCTGAAAGTGCTGTTGGTTTTGGTGAAAC[A>C]CCTGCAGAGGTTAAACCAAAAGAAACAGAATTGTGTCTAGAGGAACCAATAATTAAAATA-3'
Protein context (NP_001365893.1, residues 1110-1130): NCRNCRNNNR[Cys1120Gly]FTKTNSTFSS

ClinVar aggregate classification (germline): Uncertain significance (1 of 4 stars; one submission).

gnomAD v4.1: 7 of 1,613,570 alleles (0.00043%); highest among the groups gnomAD compares: Admixed American, 0.005%; no homozygotes.

Submission:

Dasa
Classification: Uncertain significance. Last evaluated: 2026-06-01. Review status: criteria provided, single submitter. Criteria: DASA Assertion Criteria. Collection method: clinical testing. Allele origin: germline.
Comment: NM_001378964.1(CDON):c.3358T>G (p.Cys1120Gly) is a missense variant that results in the substitution of cysteine with glycine. This variant is rare in population databases. Computational prediction algorithms are consistent with a deleterious effect. The currently available literature and clinical evidence are not sufficient to establish a definitive association between this variant and the reported condition. Therefore, this variant is classified as a variant of uncertain significance.